The following is an entry in ClinVar:

ClinVar aggregate classification (germline): Uncertain significance. Review status: criteria provided, multiple submitters, no conflicts (2 of 4 stars). 6 submissions from 6 submitters: Uncertain significance (6). Last evaluated 2025-10-21.

Conditions:
Inborn genetic diseases. Identifiers: MedGen C0950123, MeSH D030342.
Nephronophthisis. Also called: Juvenile Nephronophthisis. Identifiers: Orphanet 655, MedGen C0687120, MONDO:0019005, HP:0000090.
Senior-Loken syndrome 5 (SLSN5). Identifiers: Orphanet 3156, MedGen C1836517, MONDO:0012225, OMIM 609254.

Allele frequency attached by ClinVar (database versions not stated): ExAC 0.00001; gnomAD 0.00002; TOPMed 0.00004.
gnomAD v4.1: 46 of 1,609,874 alleles (0.0029%); highest among the groups gnomAD compares: Non-Finnish European, 0.0036%; no homozygotes.

Submissions (6):

Ambry Genetics
Classification: Uncertain significance for Inborn genetic diseases. Last evaluated: 2025-10-21. Review status: criteria provided, single submitter. Criteria: Ambry Variant Classification Scheme 2023. Collection method: clinical testing. Allele origin: germline.

Fulgent Genetics
Classification: Uncertain significance for Senior-Loken syndrome 5. Last evaluated: 2024-01-23. Review status: criteria provided, single submitter. Criteria: ACMG Guidelines, 2015. Collection method: clinical testing. Allele origin: germline.

Labcorp Genetics (formerly Invitae), Labcorp
Classification: Uncertain significance for Nephronophthisis. Last evaluated: 2021-08-28. Review status: criteria provided, single submitter. Criteria: Invitae Variant Classification Sherloc (09022015). Collection method: clinical testing. Allele origin: germline.
Comment: This sequence change replaces glutamine with glutamic acid at codon 272 of the IQCB1 protein (p.Gln272Glu). The glutamine residue is moderately conserved and there is a small physicochemical difference between glutamine and glutamic acid. This variant is present in population databases (rs760296374, ExAC 0.01%). This variant has not been reported in the literature in individuals affected with IQCB1-related conditions. ClinVar contains an entry for this variant (Variation ID: 199047). Algorithms developed to predict the effect of missense changes on protein structure and function are either unavailable or do not agree on the potential impact of this missense change (SIFT: "Deleterious"; PolyPhen-2: "Benign"; Align-GVGD: "Class C0"). In summary, the available evidence is currently insufficient to determine the role of this variant in disease. Therefore, it has been classified as a Variant of Uncertain Significance.

Blueprint Genetics
Classification: Uncertain significance. Last evaluated: 2019-12-02. Review status: criteria provided, single submitter. Criteria: ACMG Guidelines, 2015. Collection method: clinical testing. Allele origin: germline.

Illumina Laboratory Services, Illumina
Classification: Uncertain significance for Senior-Loken syndrome 5. Last evaluated: 2017-04-27. Review status: criteria provided, single submitter. Criteria: ICSL Variant Classification Criteria 13 December 2019. Collection method: clinical testing. Allele origin: germline.

Eurofins Ntd Llc (ga)
Classification: Uncertain significance. Last evaluated: 2014-05-14. Review status: criteria provided, single submitter. Criteria: EGL Classification Definitions 2015. Collection method: clinical testing. Allele origin: germline. Observed: 1 variant allele, 1 heterozygote.

NM_001023570.4(IQCB1):c.814C>G (p.Gln272Glu)

Gene: IQCB1 (IQ motif containing B1; minus strand). Cytogenetic location: 3q13.33.
Variant type: single nucleotide variant.
Coding change: c.814C>G on transcript NM_001023570.4 (MANE Select); coding-DNA position 814, C replaced by G.
Protein change: p.Gln272Glu; replaces glutamine 272 with glutamic acid.
Molecular consequence: missense variant. On other transcripts: non-coding transcript variant (1), intron variant (1).
Genome position (GRCh38, 1-based): chr3:121,797,180, G>C on the plus strand (C>G on the coding strand, the complement: IQCB1 is on the minus strand). VCF-style: chr3-121797180-G-C. GRCh37 (hg19) VCF-style: chr3-121516027-G-C.
Other names: c.814C>G, p.Gln272Glu (NM_001319107.2); c.588-6965C>G (NM_001023571.4); short protein forms Q272E.
Identifiers: ClinVar variation 199047 (VCV000199047.18), dbSNP rs760296374, ClinGen allele CA248027.